The following is an entry in ClinVar:

ClinVar aggregate classification (germline): Conflicting classifications of pathogenicity. Review status: criteria provided, conflicting classifications (1 of 4 stars). 23 submissions from 22 submitters: Pathogenic (3); Likely pathogenic (1); Uncertain significance (6); Benign (7); Likely benign (3). 3 of the submissions do not count toward it. Last evaluated 2026-01-27.

Conditions:
CFTR-related disorder (CFTR-RD). Also called: CFTR-related condition; CFTR-related disorders. Identifiers: MedGen C5924204, MONDO:7770004.
Hereditary pancreatitis (PCTT). Also called: Hereditary chronic pancreatitis; PRSS1-Related Hereditary Pancreatitis. Identifiers: Orphanet 676, MedGen C0238339, MONDO:0008185, OMIM 167800.
Bronchiectasis with or without elevated sweat chloride 1 (BESC1). Also called: Cystic Fibrosis-Like Syndrome. Identifiers: Orphanet 60033, MedGen C2749757, MONDO:0008887, OMIM 211400.
Congenital bilateral aplasia of vas deferens from CFTR mutation (CBAVD). Identifiers: Orphanet 48, MedGen C0403814, MONDO:0010178, OMIM 277180. Disease mechanism: loss of function.
Cystic fibrosis (CF). Also called: MUCOVISCIDOSIS. Identifiers: Orphanet 586, MedGen C0010674, MONDO:0009061, OMIM 219700. Disease mechanism: loss of function.
Infertility disorder. Also called: Infertility. Identifiers: MedGen C0021359, MeSH D007246, MONDO:0005047, HP:0000789.
Obstructive azoospermia. Identifiers: MedGen C4023106, HP:0011962.

Allele frequency attached by ClinVar (database versions not stated): TOPMed 0.00088; 1000 Genomes Project 0.00060; gnomAD 0.00090 and 0.00093; ExAC 0.00096; 1000 Genomes Project 30x 0.00047; gnomAD exomes 0.00094.
gnomAD v4.1: 2,102 of 1,609,472 alleles (0.13%); highest among the groups gnomAD compares: Non-Finnish European, 0.17%; 3 homozygotes.

Submissions 1 to 13 of 23:

Labcorp Genetics (formerly Invitae), Labcorp
Classification: Benign for Cystic fibrosis. Last evaluated: 2026-01-27. Review status: criteria provided, single submitter. Criteria: Invitae Variant Classification Sherloc (09022015). Collection method: clinical testing. Allele origin: germline.

Dasa
Classification: Uncertain significance. Last evaluated: 2026-01-16. Review status: criteria provided, single submitter. Criteria: DASA Assertion Criteria. Collection method: clinical testing. Allele origin: germline.
Comment: NM_000492.4(CFTR):c.1523T>G (p.Phe508Cys) is a missense variant that results in the substitution of phenylalanine with cysteine. Functional evidence supports an impact on the gene or gene product. Published studies describe this variant in association with related phenotype (PMID: 1977306; PMID: 19092444; PMID: 37628659; PMID: 7508183; PMID: 27171515). Also, this variant is rare in population databases. The currently available literature and clinical evidence are not sufficient to establish a definitive association between this variant and the reported condition. Therefore, this variant is classified as a variant of uncertain significance.

Ambry Genetics
Classification: Uncertain significance for Cystic fibrosis. Last evaluated: 2025-06-06. Review status: criteria provided, single submitter. Criteria: Ambry Variant Classification Scheme 2023. Collection method: clinical testing. Allele origin: germline.
Comment: The p.F508C variant (also known as c.1523T>G), located in coding exon 11 of the CFTR gene, results from a T to G substitution at nucleotide position 1523. The phenylalanine at codon 508 is replaced by cysteine, an amino acid with highly dissimilar properties. This variant was first detected in two healthy individuals who also carried the p.F508del mutation on the other chromosome; thus, the authors suggested a benign classification (Kobayashi K et al. Am. J. Hum. Genet., 1990 Oct;47:611-5). Subsequently, p.F508C was detected with another pathogenic mutation in 3 of 182 individuals with congenital bilateral absence of the vas deferens (CBAVD). This same study also described 5 individuals who were compound heterozygous with another pathogenic mutation in a cohort of 5938 individuals suspected to have CF. However, the frequency of the p.F508C variant in this suspected CF population did not significantly differ from that of their control population (Havasi V et al. Genet. Med., 2008 Dec;10:910-4). Functional studies determined that this substitution does not affect CFTR function, protein folding, or the transport of the protein to the cell membrane, but could affect ion channel function, particularly when co-occurring with another alteration (Raraigh KS et al. Am. J. Hum. Genet., 2018 Jun;102:1062-1077; Du K et al. Nat. Struct. Mol. Biol., 2005 Jan;12:17-25; Cui L et al. J. Physiol. (Lond.), 2006 Apr;572:347-58). This amino acid position is highly conserved in available vertebrate species. In addition, this alteration is predicted to be deleterious by in silico analysis. Based on available evidence to date, this variant is unlikely to be causative of classic CF; however, its contribution to the development of a CFTR-related disorder is uncertain. Based on the available evidence, the clinical significance of this variant remains unclear.

CeGaT Center for Human Genetics Tuebingen
Classification: Pathogenic. Last evaluated: 2025-05-01. Review status: criteria provided, single submitter. Criteria: CeGaT Center For Human Genetics Tuebingen Variant Classification Criteria Version 2. Collection method: clinical testing. Allele origin: germline. Affected: yes. Observed: 4 variant alleles.
Comment: CFTR: PM3:Very Strong, PM2:Supporting, PP3

ARUP Laboratories, Molecular Genetics and Genomics, ARUP Laboratories
Classification: Likely pathogenic for Cystic fibrosis; Bronchiectasis with or without elevated sweat chloride 1; Hereditary pancreatitis; Congenital bilateral aplasia of vas deferens from CFTR mutation. Last evaluated: 2025-03-24. Review status: criteria provided, single submitter. Criteria: ARUP Molecular Germline Variant Investigation Process 2024. Collection method: clinical testing. Allele origin: germline.
Comment: The CFTR c.1523T>G; p.Phe508Cys variant (rs74571530, ClinVar Variation ID: 7126) is reported in the literature in individuals affected with monosymptomatic CFTR-related disorders (CFTR-RD), such as congenital bilateral absence of the vas deferens or pancreatitis, who also carried an additional pathogenic variant on the opposite chromosome (Dork 1997, Havasi 2008, Meschede 1993, Palermo 2016). This variant has also been reported in asymptomatic individuals (Desgeorges 1994, Kobayashi 1990, Macek 1992), although this may be due to reduced penetrance of CFTR-RD. Additionally, internal patient data indicate an increased association of this variant with CFTR-RD, but this variant is not associated with cystic fibrosis. In one study, p.Phe508Cys is suggested to be a modifier of S1251N severity when found in cis (Cuyx 2022). It is observed in the non-Finnish European population with an allele frequency of 0.18% (230/125858 alleles) in the Genome Aggregation Database (v2.1.1). Computational analyses predict that this variant is deleterious (REVEL: 0.865). Based on available information, this variant is not causative for classic cystic fibrosis, but is considered likely pathogenic for CFTR-RD. References: Cuyx S et al. Severity of the S1251N allele in cystic fibrosis is affected by the presence of the F508C variant in cis. J Cyst Fibros. 2022 Jul;21(4):644-651. PMID: 35690578. Desgeorges M et al. A healthy male with compound and double heterozygosities for delta F508, F508C, and M47OV in exon 10 of the cystic fibrosis gene. Am J Hum Genet. 1994 54(2):384-5. PMID: 7508183. Dork T et al. Distinct spectrum of CFTR gene mutations in congenital absence of vas deferens. Hum Genet. 1997 100(3-4):365-77. PMID: 9272157. Havasi V et al. The role of the F508C mutation in congenital bilateral absence of the vas deferens. Genet Med. 2008 10(12):910-4. PMID: 19092444. Kobayashi K et al. Benign missense variations in the cystic fibrosis gene. Am J Hum Genet. 1990 47(4):611-5. PMID: 1977306. Macek M Jr et al. Missense variations in the cystic fibrosis gene: heteroduplex formation in the F508C mutation. Am J Hum Genet. 1992 Nov;51(5):1173-4. PMID: 1384326. Meschede D et al. Compound heterozygosity for the delta F508 and F508C cystic fibrosis transmembrane conductance regulator (CFTR) mutations in a patient with congenital bilateral aplasia of the vas deferens. Am J Hum Genet. 1993 Jul;53(1):292-3. PMID: 7686336. Palermo JJ et al. Genophenotypic Analysis of Pediatric Patients With Acute Recurrent and Chronic Pancreatitis. Pancreas. 2016 Oct;45(9):1347-52. PMID: 27171515.

Blueprint Genetics
Classification: Likely benign. Last evaluated: 2024-11-22. Review status: criteria provided, single submitter. Criteria: ACMG Guidelines, 2015. Collection method: clinical testing. Allele origin: germline.

Mayo Clinic Laboratories, Mayo Clinic
Classification: Benign. Last evaluated: 2023-02-16. Review status: criteria provided, single submitter. Criteria: ACMG Guidelines, 2015. Collection method: clinical testing. Allele origin: germline. Observed: 23 variant alleles.

Mendelics
Classification: Benign. Last evaluated: 2022-05-04. Review status: criteria provided, single submitter. Criteria: Mendelics Assertion Criteria 2019. Collection method: clinical testing. Allele origin: germline.

Laboratorio de Genetica e Diagnostico Molecular, Hospital Israelita Albert Einstein
Classification: Uncertain significance for Hereditary pancreatitis. Last evaluated: 2022-04-20. Review status: criteria provided, single submitter. Criteria: ACMG Guidelines, 2015. Collection method: clinical testing. Allele origin: germline. Affected: yes. Observed: 1 variant allele.
Comment: ACMG classification criteria: PP3 supporting

Institute of Reproductive Genetics, University of Münster
Classification: Pathogenic for Obstructive azoospermia. Last evaluated: 2021-08-23. Review status: criteria provided, single submitter. Criteria: ACMG Guidelines, 2015. Collection method: clinical testing. Allele origin: germline. Affected: yes. Observed: 1 variant allele.

Genome-Nilou Lab
Classification: Uncertain significance for Cystic fibrosis. Last evaluated: 2021-07-22. Review status: criteria provided, single submitter. Criteria: ACMG Guidelines, 2015. Collection method: clinical testing. Allele origin: germline. Affected: no.

Sema4
Classification: Likely benign for Hereditary pancreatitis. Last evaluated: 2020-10-21. Review status: criteria provided, single submitter. Criteria: Sema4 Curation Guidelines. Collection method: curation. Allele origin: germline.

Quest Diagnostics Nichols Institute San Juan Capistrano
Classification: Likely benign. Last evaluated: 2020-09-08. Review status: criteria provided, single submitter. Criteria: Quest Diagnostics criteria. Collection method: clinical testing. Allele origin: unknown.

NM_000492.4(CFTR):c.1523T>G (p.Phe508Cys)

Genes: CFTR (CF transmembrane conductance regulator; plus strand), CFTR-AS1 (CFTR antisense RNA 1; minus strand). Cytogenetic location: 7q31.2.
Variant type: single nucleotide variant.
Coding change: c.1523T>G on transcript NM_000492.4 (MANE Select); coding-DNA position 1523, T replaced by G.
Protein change: p.Phe508Cys; replaces phenylalanine 508 with cysteine.
Molecular consequence: missense variant.
Genome position (GRCh38, 1-based): chr7:117,559,594, T>G. VCF-style: chr7-117559594-T-G. GRCh37 (hg19) VCF-style: chr7-117199648-T-G.
Other names: short protein forms F508C.
Identifiers: ClinVar variation 7126 (VCV000007126.152), dbSNP rs74571530, ClinGen allele CA146695.